The following is an entry in ClinVar:

NM_001351132.2(PEX5):c.815T>C (p.Met272Thr)

Gene: PEX5 (peroxisomal biogenesis factor 5; plus strand). Cytogenetic location: 12p13.31.
Variant type: single nucleotide variant.
Coding change: c.815T>C on transcript NM_001351132.2 (MANE Select); coding-DNA position 815, T replaced by C.
Protein change: p.Met272Thr; replaces methionine 272 with threonine.
Molecular consequence: missense variant.
Genome position (GRCh38, 1-based): chr12:7,202,673, T>C. VCF-style: chr12-7202673-T-C. GRCh37 (hg19) VCF-style: chr12-7355269-T-C.
Other names: c.815T>C, p.Met272Thr (NM_000319.5, NM_001131025.2, NM_001131026.2 and 6 more transcripts); c.860T>C, p.Met287Thr (NM_001131023.2); c.704T>C, p.Met235Thr (NM_001131024.2, NM_001351124.3, NM_001351126.2 and 10 more transcripts); c.749T>C, p.Met250Thr (NM_001351135.3, NM_001351138.2); short protein forms M272T, M287T, M235T, M250T.
Identifiers: ClinVar variation 235376 (VCV000235376.23), dbSNP rs76708142, ClinGen allele CA6426282.

ClinVar aggregate classification (germline): Benign. Review status: criteria provided, multiple submitters, no conflicts (2 of 4 stars). 7 submissions from 7 submitters: Benign (6). 1 of the submissions does not count toward it. Last evaluated 2026-02-03.

Conditions:
Peroxisome biogenesis disorder 2B (PBD2B). Identifiers: Orphanet 44, MedGen C3550234, MONDO:0008736, OMIM 202370.
Rhizomelic chondrodysplasia punctata type 5 (RCDP5). Identifiers: Orphanet 468717, MedGen C4225237, MONDO:0014743, OMIM 616716.
Peroxisome biogenesis disorder 2A (Zellweger) (PBD2A). Also called: Cerebrohepatorenal syndrome, variant types. Identifiers: Orphanet 912, MedGen C3550273, MONDO:0008954, OMIM 214110.

Allele frequency attached by ClinVar (database versions not stated): 1000 Genomes Project 30x 0.01686; 1000 Genomes Project 0.01777; gnomAD 0.02073 and 0.02223; ESP Exome Variant Server 0.02091; TOPMed 0.02295.
gnomAD v4.1: 11,493 of 1,613,998 alleles (0.71%); highest among the groups gnomAD compares: African/African-American, 6%; 180 homozygotes.

Submissions (7):

Labcorp Genetics (formerly Invitae), Labcorp
Classification: Benign for Peroxisome biogenesis disorder 2B. Last evaluated: 2026-02-03. Review status: criteria provided, single submitter. Criteria: Invitae Variant Classification Sherloc (09022015). Collection method: clinical testing. Allele origin: germline.

Fulgent Genetics
Classification: Benign for Peroxisome biogenesis disorder 2B; Peroxisome biogenesis disorder 2A (Zellweger); Rhizomelic chondrodysplasia punctata type 5. Last evaluated: 2021-11-16. Review status: criteria provided, single submitter. Criteria: ACMG Guidelines, 2015. Collection method: clinical testing. Allele origin: unknown.

GeneDx
Classification: Benign. Last evaluated: 2021-05-06. Review status: criteria provided, single submitter. Criteria: GeneDx Variant Classification Process June 2021. Collection method: clinical testing. Allele origin: germline. Affected: yes.

Illumina Laboratory Services, Illumina
Classification: Benign for Peroxisome biogenesis disorder 2A (Zellweger). Last evaluated: 2018-01-13. Review status: criteria provided, single submitter. Criteria: ICSL Variant Classification Criteria 13 December 2019. Collection method: clinical testing. Allele origin: germline.
Comment: This variant was observed in the ICSL laboratory as part of a predisposition screen in an ostensibly healthy population. It had not been previously curated by ICSL or reported in the Human Gene Mutation Database (HGMD: prior to June 1st, 2018), and was therefore a candidate for classification through an automated scoring system. Utilizing variant allele frequency, disease prevalence and penetrance estimates, and inheritance mode, an automated score was calculated to assess if this variant is too frequent to cause the disease. Based on the score and internal cut-off values, a variant classified as benign is not then subjected to further curation. The score for this variant resulted in a classification of benign for this disease.

Center for Pediatric Genomic Medicine, Children's Mercy Hospital and Clinics
Classification: Benign. Last evaluated: 2015-09-29. Review status: criteria provided, single submitter. Criteria: ACMG Guidelines, 2015. Collection method: clinical testing. Allele origin: germline.

Breakthrough Genomics
Classification: Benign. Review status: criteria provided, single submitter. Criteria: ACMG Guidelines, 2015. Collection method: not provided. Allele origin: germline. Inheritance: Autosomal recessive inheritance. Affected: yes.

Mayo Clinic Laboratories, Mayo Clinic
Classification: Benign. Last evaluated: 2017-08-16. Review status: no assertion criteria provided. Collection method: clinical testing. Allele origin: unknown. Not counted in ClinVar's aggregate classification.